The following is an entry in ClinVar:

NM_001457.4(FLNB):c.6091+246C>T

Gene: FLNB (filamin B; plus strand). Cytogenetic location: 3p14.3.
Variant type: single nucleotide variant.
Coding change: c.6091+246C>T on transcript NM_001457.4 (MANE Select); 246 bases into the intron after coding-DNA position 6091, C replaced by T.
Molecular consequence: intron variant.
Genome position (GRCh38, 1-based): chr3:58,149,098, C>T. VCF-style: chr3-58149098-C-T. GRCh37 (hg19) VCF-style: chr3-58134825-C-T.
Other names: c.6184+246C>T (NM_001164317.2); c.6058+246C>T (NM_001164318.2); c.6019+246C>T (NM_001164319.2).
Identifiers: ClinVar variation 674033 (VCV000674033.1), dbSNP rs77235099, ClinGen allele CA75472459.
Genomic context (GRCh38, chr3:58,149,098, plus strand): 5'-TTTAGATGATGAAACTGAGGCTTGCAAGGTTTAGAGCCCCCTCTGCACTAGGATCTGAAC[C>T]CAGAGCCACAACACCTCGCAAACCCCTGTTTTCTTATCTGCTCTCCCACCCTTGTTCTCA-3'

ClinVar aggregate classification (germline): Likely benign (1 of 4 stars; one submission).

Allele frequency attached by ClinVar (database versions not stated): 1000 Genomes Project 30x 0.01515; 1000 Genomes Project 0.01637; TOPMed 0.02119; gnomAD 0.02160 and 0.02257; gnomAD exomes 0.03055.
gnomAD v4.1: 14,696 of 521,636 alleles (2.8%); highest among the groups gnomAD compares: South Asian, 5.3%; 340 homozygotes.

Submission:

GeneDx
Classification: Likely benign. Last evaluated: 2018-06-19. Review status: criteria provided, single submitter. Criteria: GeneDx Variant Classification (06012015). Collection method: clinical testing. Allele origin: germline. Affected: yes.
Comment: This variant is considered likely benign or benign based on one or more of the following criteria: it is a conservative change, it occurs at a poorly conserved position in the protein, it is predicted to be benign by multiple in silico algorithms, and/or has population frequency not consistent with disease.